The following is an entry in ClinVar:

ClinVar aggregate classification (germline): Likely benign. Review status: criteria provided, single submitter (1 of 4 stars). 2 submissions from 2 submitters: Likely benign (1). 1 of the submissions does not count toward it. Last evaluated 2023-03-23.

Conditions:
Hereditary cancer-predisposing syndrome. Also called: Tumor predisposition; Hereditary neoplastic syndrome; Hereditary Cancer Syndrome; Neoplastic Syndromes, Hereditary. Identifiers: Orphanet 140162, MedGen C0027672, MeSH D009386, MONDO:0015356.

Submissions (2):

University of Washington Department of Laboratory Medicine, University of Washington
Classification: Likely benign for Hereditary cancer-predisposing syndrome. Last evaluated: 2023-03-23. Review status: criteria provided, single submitter. Criteria: Dines et al. (Genet Med. 2020). Collection method: curation. Allele origin: germline.
Comment: Missense variant in a coldspot region where missense variants are very unlikely to be pathogenic (PMID:31911673).

BRCA2 exon 11 coldspot. Reclassification based on statistical prior probability.

Department of Pathology and Laboratory Medicine, Sinai Health System
Classification: Uncertain significance. Review status: no assertion criteria provided. Collection method: clinical testing. Allele origin: unknown. Affected: yes. Observed: 1 variant allele. Study: The Canadian Open Genetics Repository (COGR). Not counted in ClinVar's aggregate classification.

NM_000059.4(BRCA2):c.6290C>A (p.Thr2097Lys)

Gene: BRCA2 (BRCA2 DNA repair associated; plus strand). Cytogenetic location: 13q13.1.
Variant type: single nucleotide variant.
Coding change: c.6290C>A on transcript NM_000059.4 (MANE Select); coding-DNA position 6290, C replaced by A.
Protein change: p.Thr2097Lys; replaces threonine 2097 with lysine.
Molecular consequence: missense variant.
Genome position (GRCh38, 1-based): chr13:32,340,645, C>A. VCF-style: chr13-32340645-C-A. GRCh37 (hg19) VCF-style: chr13-32914782-C-A.
Other names: short protein forms T2097K.
Identifiers: ClinVar variation 1050331 (VCV001050331.3), dbSNP rs80358866, ClinGen allele CA387789010.